The following is an entry in ClinVar:

NM_000069.3(CACNA1S):c.1738C>A (p.Leu580Ile)

Gene: CACNA1S (calcium voltage-gated channel subunit alpha1 S; minus strand). Cytogenetic location: 1q32.1.
Variant type: single nucleotide variant.
Coding change: c.1738C>A on transcript NM_000069.3 (MANE Select); coding-DNA position 1738, C replaced by A.
Protein change: p.Leu580Ile; replaces leucine 580 with isoleucine.
Molecular consequence: missense variant.
Genome position (GRCh38, 1-based): chr1:201,077,009, G>T on the plus strand (C>A on the coding strand, the complement: CACNA1S is on the minus strand). VCF-style: chr1-201077009-G-T. GRCh37 (hg19) VCF-style: chr1-201046137-G-T.
Other names: short protein forms L580I.
Identifiers: ClinVar variation 3386374 (VCV003386374.1).

ClinVar aggregate classification (germline): Uncertain significance (1 of 4 stars; one submission).

Conditions:
Malignant hyperthermia, susceptibility to, 5 (MHS5). Also called: CACNA1S-Related Malignant Hyperthermia Susceptibility. Identifiers: Orphanet 423, MedGen C1866077, MONDO:0011163, OMIM 601887.

Submission:

All of Us Research Program, National Institutes of Health
Classification: Uncertain significance for Malignant hyperthermia, susceptibility to, 5. Last evaluated: 2024-06-11. Review status: criteria provided, single submitter. Criteria: ACMG Guidelines, 2015. Collection method: clinical testing. Allele origin: germline. Inheritance: Autosomal dominant inheritance. Observed: 1 variant allele, 1 heterozygote.
Comment: This study involves interpretation of variants in research participants for the purpose of population health screening. Participant phenotype was not available at the time of variant classification. Additional details can be found in publication PMID: 35346344, PMCID: PMC8962531